The following is an entry in ClinVar:

NM_000088.4(COL1A1):c.1430C>T (p.Pro477Leu)

Gene: COL1A1 (collagen type I alpha 1 chain; minus strand). Cytogenetic location: 17q21.33.
Variant type: single nucleotide variant.
Coding change: c.1430C>T on transcript NM_000088.4 (MANE Select); coding-DNA position 1430, C replaced by T.
Protein change: p.Pro477Leu; replaces proline 477 with leucine.
Molecular consequence: missense variant.
Genome position (GRCh38, 1-based): chr17:50,194,752, G>A on the plus strand (C>T on the coding strand, the complement: COL1A1 is on the minus strand). VCF-style: chr17-50194752-G-A. GRCh37 (hg19) VCF-style: chr17-48272113-G-A.
Other names: short protein forms P477L.
Identifiers: ClinVar variation 3713030 (VCV003713030.2).

ClinVar aggregate classification (germline): Uncertain significance (1 of 4 stars; one submission).

Conditions:
Osteogenesis imperfecta type I (OI1). Also called: OI, TYPE I; OSTEOGENESIS IMPERFECTA TARDA; OSTEOGENESIS IMPERFECTA WITH BLUE SCLERAE; Osteogenesis imperfecta type 1; Lobstein's Disease; Lobstein disease. Identifiers: Orphanet 216796, Orphanet 666, MedGen C0023931, MONDO:0008146, OMIM 166200. Disease mechanism: loss of function.

Submission:

Labcorp Genetics (formerly Invitae), Labcorp
Classification: Uncertain significance for Osteogenesis imperfecta type I. Last evaluated: 2024-05-29. Review status: criteria provided, single submitter. Criteria: Invitae Variant Classification Sherloc (09022015). Collection method: clinical testing. Allele origin: germline.
Comment: This sequence change replaces proline, which is neutral and non-polar, with leucine, which is neutral and non-polar, at codon 477 of the COL1A1 protein (p.Pro477Leu). This variant is not present in population databases (gnomAD no frequency). This variant has not been reported in the literature in individuals affected with COL1A1-related conditions. Advanced modeling of protein sequence and biophysical properties (such as structural, functional, and spatial information, amino acid conservation, physicochemical variation, residue mobility, and thermodynamic stability) has been performed at Invitae for this missense variant, however the output from this modeling did not meet the statistical confidence thresholds required to predict the impact of this variant on COL1A1 protein function. In summary, the available evidence is currently insufficient to determine the role of this variant in disease. Therefore, it has been classified as a Variant of Uncertain Significance.